The following is an entry in ClinVar:

NM_007259.5(VPS45):c.687+5A>G

Gene: VPS45 (vacuolar protein sorting 45 homolog; plus strand). Cytogenetic location: 1q21.2.
Variant type: single nucleotide variant.
Coding change: c.687+5A>G on transcript NM_007259.5 (MANE Select); 5 bases into the intron after coding-DNA position 687, A replaced by G.
Molecular consequence: intron variant.
Genome position (GRCh38, 1-based): chr1:150,077,784, A>G. VCF-style: chr1-150077784-A-G. GRCh37 (hg19) VCF-style: chr1-150049862-A-G.
Other names: c.372+5A>G (NM_001279353.2); c.579+5A>G (NM_001279354.2).
Identifiers: ClinVar variation 2148496 (VCV002148496.3), dbSNP rs1270978227, ClinGen allele CA889172934.

ClinVar aggregate classification (germline): Uncertain significance. Review status: criteria provided, multiple submitters, no conflicts (2 of 4 stars). 3 submissions from 3 submitters: Uncertain significance (3). Last evaluated 2026-06-30.

Conditions:
Congenital neutropenia-myelofibrosis-nephromegaly syndrome. Also called: Severe congenital neutropenia 5, autosomal recessive. Identifiers: Orphanet 369852, MedGen C3809031, MONDO:0014118, OMIM 615285.

Allele frequency attached by ClinVar (database versions not stated): gnomAD 0.00005; TOPMed 0.00012; gnomAD exomes below 0.00001.
gnomAD v4.1: 11 of 1,604,114 alleles (0.00069%); highest among the groups gnomAD compares: Admixed American, 0.013%; no homozygotes.

Submissions (3):

Women's Health and Genetics/Laboratory Corporation of America, LabCorp
Classification: Uncertain significance. Last evaluated: 2026-06-30. Review status: criteria provided, single submitter. Criteria: LabCorp Variant Classification Summary - May 2015. Collection method: clinical testing. Allele origin: germline.

ARUP Laboratories, Molecular Genetics and Genomics, ARUP Laboratories
Classification: Uncertain significance for Congenital neutropenia-myelofibrosis-nephromegaly syndrome. Last evaluated: 2024-01-05. Review status: criteria provided, single submitter. Criteria: ARUP Molecular Germline Variant Investigation Process 2024. Collection method: clinical testing. Allele origin: germline.

Labcorp Genetics (formerly Invitae), Labcorp
Classification: Uncertain significance for Congenital neutropenia-myelofibrosis-nephromegaly syndrome. Last evaluated: 2022-07-11. Review status: criteria provided, single submitter. Criteria: Invitae Variant Classification Sherloc (09022015). Collection method: clinical testing. Allele origin: germline.
Comment: This sequence change falls in intron 7 of the VPS45 gene. It does not directly change the encoded amino acid sequence of the VPS45 protein. It affects a nucleotide within the consensus splice site. This variant is not present in population databases (gnomAD no frequency). This variant has not been reported in the literature in individuals affected with VPS45-related conditions. Variants that disrupt the consensus splice site are a relatively common cause of aberrant splicing (PMID: 17576681, 9536098). Algorithms developed to predict the effect of sequence changes on RNA splicing suggest that this variant is not likely to affect RNA splicing. In summary, the available evidence is currently insufficient to determine the role of this variant in disease. Therefore, it has been classified as a Variant of Uncertain Significance.

Literature cited by the submitters: PubMed 17576681 (cited by Labcorp Genetics (formerly Invitae), Labcorp); PubMed 9536098 (cited by Labcorp Genetics (formerly Invitae), Labcorp).